The following is an entry in ClinVar:

ClinVar aggregate classification (germline): Uncertain significance. Review status: criteria provided, multiple submitters, no conflicts (2 of 4 stars). 2 submissions from 2 submitters: Uncertain significance (2). Last evaluated 2025-10-30.

Conditions:
Hereditary cancer-predisposing syndrome. Also called: Hereditary Cancer Syndrome; Hereditary neoplastic syndrome; Neoplastic Syndromes, Hereditary; Tumor predisposition. Identifiers: Orphanet 140162, MedGen C0027672, MeSH D009386, MONDO:0015356.
Familial cancer of breast. Also called: Hereditary breast cancer; hereditary breast carcinoma; BREAST CANCER, FAMILIAL. Identifiers: Orphanet 227535, MedGen C0346153, MONDO:0016419, OMIM 114480. Disease mechanism: loss of function.

Submissions (2):

Labcorp Genetics (formerly Invitae), Labcorp
Classification: Uncertain significance for Familial cancer of breast. Last evaluated: 2025-10-30. Review status: criteria provided, single submitter. Criteria: Invitae Variant Classification Sherloc (09022015). Collection method: clinical testing. Allele origin: germline.
Comment: This sequence change replaces glutamic acid, which is acidic and polar, with valine, which is neutral and non-polar, at codon 650 of the PALB2 protein (p.Glu650Val). This variant is not present in population databases (gnomAD no frequency). This variant has not been reported in the literature in individuals affected with PALB2-related conditions. ClinVar contains an entry for this variant (Variation ID: 3927448). Invitae Evidence Modeling of protein sequence and biophysical properties (such as structural, functional, and spatial information, amino acid conservation, physicochemical variation, residue mobility, and thermodynamic stability) has been performed for this missense variant. However, the output from this modeling did not meet the statistical confidence thresholds required to predict the impact of this variant on PALB2 protein function. In summary, the available evidence is currently insufficient to determine the role of this variant in disease. Therefore, it has been classified as a Variant of Uncertain Significance.

Ambry Genetics
Classification: Uncertain significance for Hereditary cancer-predisposing syndrome. Last evaluated: 2025-05-17. Review status: criteria provided, single submitter. Criteria: Ambry Variant Classification Scheme 2023. Collection method: clinical testing. Allele origin: germline.
Comment: The p.E650V variant (also known as c.1949A>T), located in coding exon 5 of the PALB2 gene, results from an A to T substitution at nucleotide position 1949. The glutamic acid at codon 650 is replaced by valine, an amino acid with dissimilar properties. This amino acid position is conserved. In addition, this alteration is predicted to be tolerated by in silico analysis. Based on the available evidence, the clinical significance of this variant remains unclear.

NM_024675.4(PALB2):c.1949A>T (p.Glu650Val)

Gene: PALB2 (partner and localizer of BRCA2; minus strand). Cytogenetic location: 16p12.2.
Variant type: single nucleotide variant.
Coding change: c.1949A>T on transcript NM_024675.4 (MANE Select); coding-DNA position 1949, A replaced by T.
Protein change: p.Glu650Val; replaces glutamic acid 650 with valine.
Molecular consequence: missense variant. On other transcripts: intron variant (1).
Genome position (GRCh38, 1-based): chr16:23,630,205, T>A on the plus strand (A>T on the coding strand, the complement: PALB2 is on the minus strand). VCF-style: chr16-23630205-T-A. GRCh37 (hg19) VCF-style: chr16-23641526-T-A.
Other names: c.1889A>T, p.Glu630Val (NM_001407296.1); c.1949A>T, p.Glu650Val (NM_001407297.1, NM_001407298.1, NM_001407299.1 and 3 more transcripts); c.1064A>T, p.Glu355Val (NM_001407304.1, NM_001407305.1, NM_001407306.1 and 5 more transcripts); c.161A>T, p.Glu54Val (NM_001407312.1, NM_001407313.1); c.49-930A>T (NM_001407314.1); short protein forms E54V, E355V, E630V, E650V.
Identifiers: ClinVar variation 3927448 (VCV003927448.2).